The following is an entry in ClinVar:

ClinVar aggregate classification (germline): Uncertain significance (1 of 4 stars; one submission).

Submission:

CeGaT Center for Human Genetics Tuebingen
Classification: Uncertain significance. Last evaluated: 2023-02-01. Review status: criteria provided, single submitter. Criteria: CeGaT Center For Human Genetics Tuebingen Variant Classification Criteria Version 2. Collection method: clinical testing. Allele origin: germline. Affected: yes. Observed: 1 variant allele.
Comment: DNMT3A: PM2, PP2

NM_022552.5(DNMT3A):c.203A>G (p.Asp68Gly)

Gene: DNMT3A (DNA methyltransferase 3 alpha; minus strand). Cytogenetic location: 2p23.3.
Variant type: single nucleotide variant.
Coding change: c.203A>G on transcript NM_022552.5 (MANE Select); coding-DNA position 203, A replaced by G.
Protein change: p.Asp68Gly; replaces aspartic acid 68 with glycine.
Molecular consequence: missense variant. On other transcripts: non-coding transcript variant (1).
Genome position (GRCh38, 1-based): chr2:25,282,686, T>C on the plus strand (A>G on the coding strand, the complement: DNMT3A is on the minus strand). VCF-style: chr2-25282686-T-C. GRCh37 (hg19) VCF-style: chr2-25505555-T-C.
Other names: c.203A>G, p.Asp68Gly (NM_001320892.2, NM_175629.2, NM_175630.1); short protein forms D68G.
Identifiers: ClinVar variation 2498806 (VCV002498806.28), dbSNP rs2465823019, ClinGen allele CA346084157.